The following is an entry in ClinVar:

NM_001164508.2(NEB):c.12080A>G (p.Glu4027Gly)

Gene: NEB (nebulin; minus strand). Cytogenetic location: 2q23.3.
Variant type: single nucleotide variant.
Coding change: c.12080A>G on transcript NM_001164508.2 (MANE Select); coding-DNA position 12080, A replaced by G.
Protein change: p.Glu4027Gly; replaces glutamic acid 4027 with glycine.
Molecular consequence: missense variant.
Genome position (GRCh38, 1-based): chr2:151,610,059, T>C on the plus strand (A>G on the coding strand, the complement: NEB is on the minus strand). VCF-style: chr2-151610059-T-C. GRCh37 (hg19) VCF-style: chr2-152466573-T-C.
Other names: c.12080A>G, p.Glu4027Gly (NM_001164507.2, NM_001271208.2); c.11351A>G, p.Glu3784Gly (NM_004543.5); c.11351A>G (NM_004543.4); short protein forms E3784G, E4027G.
Identifiers: ClinVar variation 1308015 (VCV001308015.4), dbSNP rs1188050770, ClinGen allele CA348777766.
Genomic context (GRCh38, chr2:151,610,059, plus strand): 5'-TACTCCCTTTCACTTTGAATTTTTCCTGCATGTATGGCACACATAATCTTGGGATCATCT[T>C]CAATGCTCTGGGCTCCAATGTGGTGGCCTTTCTGTTTCTCATAGGCTTCCTTGTATTTGT-3'
Protein context (NP_001157980.2, residues 4017-4037): KGHHIGAQSI[Glu4027Gly]DDPKIMCAIH

ClinVar aggregate classification (germline): Uncertain significance. Review status: criteria provided, multiple submitters, no conflicts (2 of 4 stars). 3 submissions from 3 submitters: Uncertain significance (3). Last evaluated 2024-03-21.

Conditions:
Nemaline myopathy 2 (NEM2). Also called: Nemaline myopathy 2, autosomal recessive. Identifiers: MedGen C1850569, MONDO:0009725, OMIM 256030.
Inborn genetic diseases. Identifiers: MedGen C0950123, MeSH D030342.

Allele frequency attached by ClinVar (database versions not stated): gnomAD exomes below 0.00001; TOPMed below 0.00001.
gnomAD v4.1: 2 of 1,613,876 alleles (0.00012%); highest among the groups gnomAD compares: Non-Finnish European, 0.00017%; no homozygotes.

Submissions (3):

Ambry Genetics
Classification: Uncertain significance for Inborn genetic diseases. Last evaluated: 2024-03-21. Review status: criteria provided, single submitter. Criteria: Ambry Variant Classification Scheme 2023. Collection method: clinical testing. Allele origin: germline.

Labcorp Genetics (formerly Invitae), Labcorp
Classification: Uncertain significance for Nemaline myopathy 2. Last evaluated: 2022-10-03. Review status: criteria provided, single submitter. Criteria: Invitae Variant Classification Sherloc (09022015). Collection method: clinical testing. Allele origin: germline.
Comment: This sequence change replaces glutamic acid, which is acidic and polar, with glycine, which is neutral and non-polar, at codon 4027 of the NEB protein (p.Glu4027Gly). This variant is present in population databases (no rsID available, gnomAD 0.0009%). This variant has not been reported in the literature in individuals affected with NEB-related conditions. ClinVar contains an entry for this variant (Variation ID: 1308015). Algorithms developed to predict the effect of missense changes on protein structure and function are either unavailable or do not agree on the potential impact of this missense change (SIFT: "Deleterious"; PolyPhen-2: "Not Available"; Align-GVGD: "Class C0"). In summary, the available evidence is currently insufficient to determine the role of this variant in disease. Therefore, it has been classified as a Variant of Uncertain Significance.

GeneDx
Classification: Uncertain significance. Last evaluated: 2019-03-15. Review status: criteria provided, single submitter. Criteria: GeneDx Variant Classification Process June 2021. Collection method: clinical testing. Allele origin: germline. Affected: yes.
Comment: Not observed at a significant frequency in large population cohorts (Lek et al., 2016); In silico analysis, which includes protein predictors and evolutionary conservation, supports a deleterious effect; Missense variant in a gene in which most reported pathogenic variants are truncating/loss-of-function; Has not been previously published as pathogenic or benign to our knowledge